The following is an entry in ClinVar:

ClinVar aggregate classification (germline): Conflicting classifications of pathogenicity. Review status: criteria provided, conflicting classifications (1 of 4 stars). 2 submissions from 2 submitters: Pathogenic (1); Uncertain significance (1). Last evaluated 2026-06-22.

Conditions:
Hereditary cancer-predisposing syndrome. Also called: Hereditary Cancer Syndrome; Neoplastic Syndromes, Hereditary; Hereditary neoplastic syndrome; Tumor predisposition. Identifiers: Orphanet 140162, MedGen C0027672, MeSH D009386, MONDO:0015356.

Submissions (2):

Ambry Genetics
Classification: Uncertain significance for Hereditary cancer-predisposing syndrome. Last evaluated: 2026-06-22. Review status: criteria provided, single submitter. Criteria: Ambry Variant Classification Scheme 2023. Collection method: clinical testing. Allele origin: germline.
Comment: The c.311delT variant, located in coding exon 4 of the POLE gene, results from a deletion of one nucleotide at nucleotide position 311, causing a translational frameshift with a predicted alternate stop codon (p.F104Sfs*45). This alteration is expected to result in loss of function by premature protein truncation or nonsense-mediated mRNA decay. Although biallelic loss of function of POLE has been associated with autosomal recessive POLE deficiency, haploinsufficiency of POLE has not been established as a mechanism of disease for POLE-related polymerase proofreading-associated polyposis (PPAP) and POLE-related CMMRD-like syndrome. Based on the supporting evidence, this variant is expected to be causative of POLE deficiency when present along with a second pathogenic variant on the other allele; however, its clinical significance for PPAP and POLE-related CMMRD-like syndrome is unclear.

Labcorp Genetics (formerly Invitae), Labcorp
Classification: Pathogenic. Last evaluated: 2025-09-19. Review status: criteria provided, single submitter. Criteria: Invitae Variant Classification Sherloc (09022015). Collection method: clinical testing. Allele origin: germline.
Comment: This sequence change creates a premature translational stop signal (p.Phe104Serfs*45) in the POLE gene. It is expected to result in an absent or disrupted protein product. Loss-of-function variants in POLE are known to be pathogenic (PMID: 23230001, 25948378, 30503519). This variant is not present in population databases (gnomAD no frequency). This variant has not been reported in the literature in individuals affected with POLE-related conditions. ClinVar contains an entry for this variant (Variation ID: 1413890). For these reasons, this variant has been classified as Pathogenic.

Literature cited by the submitters: PubMed 23230001 (cited by Labcorp Genetics (formerly Invitae), Labcorp); PubMed 25948378 (cited by Labcorp Genetics (formerly Invitae), Labcorp); PubMed 30503519 (cited by Labcorp Genetics (formerly Invitae), Labcorp).

NM_006231.4(POLE):c.311del (p.Phe104fs)

Gene: POLE (DNA polymerase epsilon, catalytic subunit; minus strand). Cytogenetic location: 12q24.33.
Variant type: Deletion.
Coding change: c.311del on transcript NM_006231.4 (MANE Select); coding-DNA position 311, one base deleted (T; older notation c.311delT).
Protein change: p.Phe104fs; shifts the reading frame from phenylalanine 104.
Molecular consequence: frameshift variant.
Genome position (GRCh38, 1-based): chr12:132,680,197, A deleted on the plus strand (T on the coding strand, the reverse complement: POLE is on the minus strand); the first of 3 consecutive A bases (chr12:132,680,197-132,680,199); deleting any one gives the same sequence. VCF-style (leftmost placement, unchanged base first): chr12-132680196-GA-G. GRCh37 (hg19) VCF-style: chr12-133256782-GA-G.
Other names: c.311delT (NM_006231.2); short protein forms F104fs.
Identifiers: ClinVar variation 1413890 (VCV001413890.9), dbSNP rs1390420355, ClinGen allele CA685568159.